The following is an entry in ClinVar:

ClinVar aggregate classification (germline): Uncertain significance (1 of 4 stars; one submission).

Submission:

Dasa
Classification: Uncertain significance. Last evaluated: 2025-11-19. Review status: criteria provided, single submitter. Criteria: DASA Assertion Criteria. Collection method: clinical testing. Allele origin: germline.
Comment: NM_001042492.3(NF1):c.4836-7277C>T is an intronic variant. This variant is absent from population databases. The currently available literature and clinical evidence are not sufficient to establish a definitive association between this variant and the reported condition. Therefore, this variant is classified as a variant of uncertain significance.

NM_001042492.3(NF1):c.4836-7277C>T

Genes: EVI2A (ecotropic viral integration site 2A; minus strand), NF1 (neurofibromin 1; plus strand). Cytogenetic location: 17q11.2.
Variant type: single nucleotide variant.
Coding change: c.4836-7277C>T on transcript NM_001042492.3 (MANE Select); 7277 bases into the intron before coding-DNA position 4836, C replaced by T.
Molecular consequence: intron variant. On other transcripts: synonymous variant (2).
Genome position (GRCh38, 1-based): chr17:31,318,543, C>T. VCF-style: chr17-31318543-C-T. GRCh37 (hg19) VCF-style: chr17-29645561-C-T.
Other names: c.540G>A, p.Val180= (NM_001003927.3); c.471G>A, p.Val157= (NM_014210.4); c.4773-7277C>T (NM_000267.4).
Identifiers: ClinVar variation 4885979 (VCV004885979.2).